The following is an entry in ClinVar:

ClinVar aggregate classification (germline): Uncertain significance (1 of 4 stars; one submission).

Conditions:
Inborn genetic diseases. Identifiers: MedGen C0950123, MeSH D030342.

Allele frequency attached by ClinVar (database versions not stated): gnomAD 0.00001; gnomAD exomes 0.00001 and 0.00007; TOPMed 0.00003; ExAC 0.00005.
gnomAD v4.1: 19 of 1,612,986 alleles (0.0012%); highest among the groups gnomAD compares: Admixed American, 0.032%; no homozygotes.

Submission:

Ambry Genetics
Classification: Uncertain significance for Inborn genetic diseases. Last evaluated: 2020-11-13. Review status: criteria provided, single submitter. Criteria: Ambry Variant Classification Scheme 2023. Collection method: clinical testing. Allele origin: germline.
Comment: The c.196C>T (p.H66Y) alteration is located in coding exon 1 of the HOXA1 gene. This alteration results from a C to T substitution at nucleotide position 196, causing the histidine (H) at amino acid position 66 to be replaced by a tyrosine (Y). Based on data from the Genome Aggregation Database (gnomAD) database, the HOXA1 c.196C>T alteration was observed in 0.01% (19/279804) of total alleles studied, with a frequency of 0.05% (18/35416) in the Latino subpopulation. This amino acid position is not well conserved in available vertebrate species. The p.H66Y alteration is predicted to be tolerated by in silico analysis. Based on insufficient or conflicting evidence, the clinical significance of this alteration remains unclear.

NM_005522.5(HOXA1):c.196C>T (p.His66Tyr)

Gene: HOXA1 (homeobox A1; minus strand). Cytogenetic location: 7p15.2.
Variant type: single nucleotide variant.
Coding change: c.196C>T on transcript NM_005522.5 (MANE Select); coding-DNA position 196, C replaced by T.
Protein change: p.His66Tyr; replaces histidine 66 with tyrosine.
Molecular consequence: missense variant.
Genome position (GRCh38, 1-based): chr7:27,095,717, G>A on the plus strand (C>T on the coding strand, the complement: HOXA1 is on the minus strand). VCF-style: chr7-27095717-G-A. GRCh37 (hg19) VCF-style: chr7-27135336-G-A.
Other names: c.196C>T, p.His66Tyr (NM_153620.3); short protein forms H66Y.
Identifiers: ClinVar variation 359968 (VCV000359968.7), dbSNP rs777153568, ClinGen allele CA4196008.
Genomic context (GRCh38, chr7:27,095,717, plus strand): 5'-GGTTCCCGGAAGTCTGGTAGGTAGCCGGCTGGGGGTGGCGATGGTGGTGGTGGTGGTGGT[G>A]GTGGGGCGAACCGATCTGCACCCCCCTGCCCACTAGGAAGCGGTCGTCGCCGCCGCAACT-3'
Protein context (NP_005513.2, residues 56-76): GRGVQIGSPH[His66Tyr]HHHHHHRHPQ